The following is an entry in ClinVar:

ClinVar aggregate classification (germline): Pathogenic (1 of 4 stars; one submission).

Submission:

GeneDx
Classification: Pathogenic. Last evaluated: 2015-12-15. Review status: criteria provided, single submitter. Criteria: GeneDx Variant Classification (06012015). Collection method: clinical testing. Allele origin: germline. Affected: yes.
Comment: The c.401-2 A>T splice site variant in the KMT2D gene destroys the canonical splice acceptor site in intron 3. It is predicted to cause abnormal gene splicing, either leading to an abnormal message that is subject to nonsense-mediated mRNA decay, or to an abnormal protein product if the message is used for protein translation. Although this pathogenic variant has not been previously reported to our knowledge, its presence is consistent with a diagnosis of Kabuki syndrome

NM_003482.4(KMT2D):c.401-2A>T

Gene: KMT2D (lysine methyltransferase 2D; minus strand). Cytogenetic location: 12q13.12.
Variant type: single nucleotide variant.
Coding change: c.401-2A>T on transcript NM_003482.4 (MANE Select); the canonical splice acceptor site of the intron before coding-DNA position 401, A replaced by T.
Molecular consequence: splice acceptor variant.
Genome position (GRCh38, 1-based): chr12:49,054,418, T>A on the plus strand (A>T on the coding strand, the complement: KMT2D is on the minus strand). VCF-style: chr12-49054418-T-A. GRCh37 (hg19) VCF-style: chr12-49448201-T-A.
Identifiers: ClinVar variation 449579 (VCV000449579.2), dbSNP rs1555198655, ClinGen allele CA384687590.